The following is an entry in ClinVar:

NM_000530.8(MPZ):c.395C>T (p.Pro132Leu)

Gene: MPZ (myelin protein zero; minus strand). Cytogenetic location: 1q23.3.
Variant type: single nucleotide variant.
Coding change: c.395C>T on transcript NM_000530.8 (MANE Select); coding-DNA position 395, C replaced by T.
Protein change: p.Pro132Leu; replaces proline 132 with leucine.
Molecular consequence: missense variant.
Genome position (GRCh38, 1-based): chr1:161,306,761, G>A on the plus strand (C>T on the coding strand, the complement: MPZ is on the minus strand). VCF-style: chr1-161306761-G-A. GRCh37 (hg19) VCF-style: chr1-161276551-G-A.
Other names: c.395C>T, p.Pro132Leu (NM_001315491.2); c.395C>T (LRG_256t1); short protein forms P132L.
Identifiers: ClinVar variation 637355 (VCV000637355.2), dbSNP rs1571818800, ClinGen allele CA343348718.

ClinVar aggregate classification (germline): Pathogenic. Review status: criteria provided, single submitter (1 of 4 stars). 2 submissions from 2 submitters: Pathogenic (1). 1 of the submissions does not count toward it. Last evaluated 2023-05-31.

Conditions:
Charcot-Marie-Tooth disease. Also called: Charcot-Marie-Tooth Hereditary Neuropathy; Charcot-Marie-Tooth Neuropathy. Identifiers: Orphanet 166, MedGen C0007959, MONDO:0015626.

Submissions (2):

GeneDx
Classification: Pathogenic. Last evaluated: 2023-05-31. Review status: criteria provided, single submitter. Criteria: GeneDx Variant Classification Process June 2021. Collection method: clinical testing. Allele origin: germline. Affected: yes.
Comment: Not observed at significant frequency in large population cohorts (gnomAD); Missense variants in this gene are often considered pathogenic (HGMD); In silico analysis supports that this missense variant has a deleterious effect on protein structure/function; This variant is associated with the following publications: (PMID: 26310628, 20461396, 21107784, 9452099)

Inherited Neuropathy Consortium
Classification: Uncertain significance for Charcot-Marie-Tooth disease. Review status: no assertion criteria provided. Collection method: literature only. Allele origin: germline. Affected: yes. Not counted in ClinVar's aggregate classification.

Literature cited by the submitters: PubMed 9452099 (cited by Inherited Neuropathy Consortium).